The following is an entry in ClinVar:

NM_014339.7(IL17RA):c.2571_2576dup (p.Ser859_Glu860insGlySer)

Gene: IL17RA (interleukin 17 receptor A; plus strand). Cytogenetic location: 22q11.1.
Variant type: Duplication.
Coding change: c.2571_2576dup on transcript NM_014339.7 (MANE Select); coding-DNA positions 2571 to 2576, 6 bases duplicated (GGGGTC; older notation c.2571_2576dupGGGGTC).
Protein change: p.Ser859_Glu860insGlySer.
Molecular consequence: inframe insertion.
Genome position (GRCh38, 1-based): chr22:17,109,790-17,109,795, GGGGTC duplicated. VCF-style (leftmost placement, unchanged base first): chr22-17109789-T-TGGGGTC. GRCh37 (hg19) VCF-style: chr22-17590679-T-TGGGGTC.
Other names: c.2469_2474dup, p.Ser825_Glu826insGlySer (NM_001289905.2).
Identifiers: ClinVar variation 4753309 (VCV004753309.3).

ClinVar aggregate classification (germline): Uncertain significance. Review status: criteria provided, multiple submitters, no conflicts (2 of 4 stars). 2 submissions from 2 submitters: Uncertain significance (2). Last evaluated 2025-03-18.

Conditions:
Immunodeficiency 51 (IMD51). Also called: CANDIDIASIS, FAMILIAL, 5. Identifiers: Orphanet 1334, MedGen C4310803, MONDO:0013500, OMIM 613953.

Submissions (2):

Labcorp Genetics (formerly Invitae), Labcorp
Classification: Uncertain significance for Immunodeficiency 51. Last evaluated: 2025-03-18. Review status: criteria provided, single submitter. Criteria: Invitae Variant Classification Sherloc (09022015). Collection method: clinical testing. Allele origin: germline.
Comment: This variant, c.2571_2576dup, results in the insertion of 2 amino acid(s) of the IL17RA protein (p.Gly858_Ser859dup), but otherwise preserves the integrity of the reading frame. This variant is present in population databases (no rsID available, gnomAD 0.08%). This variant has not been reported in the literature in individuals affected with IL17RA-related conditions. In summary, the available evidence is currently insufficient to determine the role of this variant in disease. Therefore, it has been classified as a Variant of Uncertain Significance.

Juno Genomics, Hangzhou Juno Genomics, Inc
Classification: Uncertain significance for Immunodeficiency 51. Review status: criteria provided, single submitter. Criteria: ACMG Guidelines, 2015. Collection method: clinical testing. Allele origin: germline.
Comment: Protein length changes due to in-frame deletions/insertions in a non-repeat region or stop-loss variants.